The following is an entry in ClinVar:

NM_000091.5(COL4A3):c.1352A>G (p.His451Arg)

Genes: MFF-DT (MFF divergent transcript; minus strand), COL4A3 (collagen type IV alpha 3 chain; plus strand). Cytogenetic location: 2q36.3.
Variant type: single nucleotide variant.
Coding change: c.1352A>G on transcript NM_000091.5 (MANE Select); coding-DNA position 1352, A replaced by G.
Protein change: p.His451Arg; replaces histidine 451 with arginine.
Molecular consequence: missense variant.
Genome position (GRCh38, 1-based): chr2:227,266,453, A>G. VCF-style: chr2-227266453-A-G. GRCh37 (hg19) VCF-style: chr2-228131169-A-G.
Other names: short protein forms H451R.
Identifiers: ClinVar variation 254979 (VCV000254979.33), dbSNP rs11677877, ClinGen allele CA2146625.

ClinVar aggregate classification (germline): Benign/Likely benign. Review status: criteria provided, multiple submitters, no conflicts (2 of 4 stars). 16 submissions from 16 submitters: Benign (11); Likely benign (2). 3 of the submissions do not count toward it. Last evaluated 2026-02-04.

Conditions:
Alport syndrome. Also called: Hemorrhagic familial nephritis; Hemorrhagic hereditary nephritis; Congenital hereditary hematuria. Identifiers: Orphanet 63, MedGen C1567741, MONDO:0018965.
Autosomal recessive Alport syndrome (ATS2). Also called: ALPORT SYNDROME 2, AUTOSOMAL RECESSIVE; Alport syndrome type 2; COL4A4 Alport Syndrome and Thin Basement Membrane Nephropathy; COL4A3-Related Nephropathy. Identifiers: Orphanet 63, Orphanet 88919, MedGen C4746745, MONDO:0008762, OMIM 203780.
Focal segmental glomerulosclerosis (FSGS). Also called: Glomerulosclerosis, focal; Focal sclerosis with hyalinosis. Identifiers: MedGen C0017668, MONDO:0100313, HP:0000097. Disease mechanism: loss of function.

Allele frequency attached by ClinVar (database versions not stated): ESP Exome Variant Server 0.07353; gnomAD exomes 0.07938 and 0.09686; gnomAD 0.08050 and 0.08309; TOPMed 0.09314; ExAC 0.09435; 1000 Genomes Project 30x 0.11134; 1000 Genomes Project 0.11142.
gnomAD v4.1: 129,445 of 1,613,644 alleles (8%); highest among the groups gnomAD compares: Admixed American, 17%; 5,881 homozygotes.

Submissions (16):

Labcorp Genetics (formerly Invitae), Labcorp
Classification: Benign. Last evaluated: 2026-02-04. Review status: criteria provided, single submitter. Criteria: Invitae Variant Classification Sherloc (09022015). Collection method: clinical testing. Allele origin: germline.

Blueprint Genetics
Classification: Benign. Last evaluated: 2024-11-26. Review status: criteria provided, single submitter. Criteria: ACMG Guidelines, 2015. Collection method: clinical testing. Allele origin: germline.

Unidad de Genómica Garrahan, Hospital de Pediatría Garrahan
Classification: Benign. Last evaluated: 2024-07-15. Review status: criteria provided, single submitter. Criteria: ACMG Guidelines, 2015. Collection method: clinical testing. Allele origin: germline. Affected: no. Observed: 24 variant alleles.
Comment: This variant is classified as Benign based on local population frequency. This variant was detected in 26% of patients studied in a panel designed for Epileptic and Developmental Encephalopathy and Progressive Myoclonus Epilepsy. Number of patients: 24. Only high quality variants are reported.

Mayo Clinic Laboratories, Mayo Clinic
Classification: Benign. Last evaluated: 2022-10-19. Review status: criteria provided, single submitter. Criteria: ACMG Guidelines, 2015. Collection method: clinical testing. Allele origin: germline. Observed: 70 variant alleles.
Comment: BA1, BS2, BP4

Genome Diagnostics Laboratory, The Hospital for Sick Children
Classification: Benign for Focal segmental glomerulosclerosis. Last evaluated: 2022-09-27. Review status: criteria provided, single submitter. Criteria: ACMG Guidelines, 2015. Collection method: clinical testing. Allele origin: germline.

Genome-Nilou Lab
Classification: Benign for Autosomal recessive Alport syndrome. Last evaluated: 2021-06-10. Review status: criteria provided, single submitter. Criteria: ACMG Guidelines, 2015. Collection method: clinical testing. Allele origin: germline. Affected: no.

Eurofins Ntd Llc (ga)
Classification: Benign. Last evaluated: 2017-12-22. Review status: criteria provided, single submitter. Criteria: EGL Classification Definitions 2015. Collection method: clinical testing. Allele origin: germline. Observed: 1 variant allele, 1 heterozygote.

GeneDx
Classification: Benign. Last evaluated: 2017-09-25. Review status: criteria provided, single submitter. Criteria: GeneDx Variant Classification (06012015). Collection method: clinical testing. Allele origin: germline. Affected: yes.
Comment: This variant is considered likely benign or benign based on one or more of the following criteria: it is a conservative change, it occurs at a poorly conserved position in the protein, it is predicted to be benign by multiple in silico algorithms, and/or has population frequency not consistent with disease.

Athena Diagnostics
Classification: Benign. Last evaluated: 2017-09-11. Review status: criteria provided, single submitter. Criteria: Athena Diagnostics Criteria. Collection method: clinical testing. Allele origin: germline.

Illumina Laboratory Services, Illumina
Classification: Likely benign for Alport syndrome. Last evaluated: 2017-04-27. Review status: criteria provided, single submitter. Criteria: ICSL Variant Classification Criteria 13 December 2019. Collection method: clinical testing. Allele origin: germline.
Comment: This variant was observed as part of a predisposition screen in an ostensibly healthy population. A literature search was performed for the gene, cDNA change, and amino acid change (where applicable). Publications were found based on this search. The evidence from the literature, in combination with allele frequency data from public databases where available, was sufficient to determine this variant is unlikely to cause disease. Therefore, this variant is classified as likely benign.

Laboratory for Molecular Medicine, Mass General Brigham Personalized Medicine
Classification: Benign. Last evaluated: 2016-03-21. Review status: criteria provided, single submitter. Criteria: LMM Criteria. Collection method: clinical testing. Allele origin: germline. Observed: 58 variant alleles.
Comment: p.His451Arg in exon 22 of COL4A3: This variant is not expected to have clinical significance because it has been identified in 17.79% (2042/11476) of Latino chr omosomes by the Exome Aggregation Consortium (ExAC, rg; dbSNP rs11677877).

Breakthrough Genomics
Classification: Likely benign. Review status: criteria provided, single submitter. Criteria: ACMG Guidelines, 2015. Collection method: not provided. Allele origin: germline. Inheritance: Autosomal recessive inheritance. Affected: yes.

PreventionGenetics, part of Exact Sciences
Classification: Benign. Review status: criteria provided, single submitter. Criteria: ACMG Guidelines, 2015. Collection method: clinical testing. Allele origin: germline.

Natera, Inc.
Classification: Benign for Alport syndrome. Last evaluated: 2020-09-16. Review status: no assertion criteria provided. Collection method: clinical testing. Allele origin: germline. Not counted in ClinVar's aggregate classification.

Genome Diagnostics Laboratory, University Medical Center Utrecht
Classification: Benign. Review status: no assertion criteria provided. Collection method: clinical testing. Allele origin: germline. Affected: yes. Study: VKGL Data-share Consensus. Not counted in ClinVar's aggregate classification.

Joint Genome Diagnostic Labs from Nijmegen and Maastricht, Radboudumc and MUMC+
Classification: Benign. Review status: no assertion criteria provided. Collection method: clinical testing. Allele origin: germline. Affected: yes. Study: VKGL Data-share Consensus. Not counted in ClinVar's aggregate classification.

Literature cited by the submitters: PubMed 18385178 (cited by Illumina Laboratory Services, Illumina).